The following is an entry in ClinVar:

NM_004793.4(LONP1):c.2009C>T (p.Ala670Val)

Gene: LONP1 (lon peptidase 1, mitochondrial; minus strand). Cytogenetic location: 19p13.3.
Variant type: single nucleotide variant.
Coding change: c.2009C>T on transcript NM_004793.4 (MANE Select); coding-DNA position 2009, C replaced by T.
Protein change: p.Ala670Val; replaces alanine 670 with valine.
Molecular consequence: missense variant. On other transcripts: non-coding transcript variant (1).
Genome position (GRCh38, 1-based): chr19:5,696,058, G>A on the plus strand (C>T on the coding strand, the complement: LONP1 is on the minus strand). VCF-style: chr19-5696058-G-A. GRCh37 (hg19) VCF-style: chr19-5696069-G-A.
Other names: c.1817C>T, p.Ala606Val (NM_001276479.2); c.1421C>T, p.Ala474Val (NM_001276480.1); short protein forms A606V, A474V, A670V.
Identifiers: ClinVar variation 4710480 (VCV004710480.2).

ClinVar aggregate classification (germline): Conflicting classifications of pathogenicity. Review status: criteria provided, conflicting classifications (1 of 4 stars). 2 submissions from 2 submitters: Likely pathogenic (1); Uncertain significance (1). Last evaluated 2025-07-27.

Conditions:
CODAS syndrome. Also called: CEREBRAL, OCULAR, DENTAL, AURICULAR, AND SKELETAL ANOMALIES SYNDROME. Identifiers: Orphanet 1458, MedGen C1838180, MONDO:0010879, OMIM 600373.

gnomAD v4.1: 13 of 1,611,750 alleles (0.00081%); highest among the groups gnomAD compares: Admixed American, 0.005%; no homozygotes.

Submissions (2):

Labcorp Genetics (formerly Invitae), Labcorp
Classification: Uncertain significance. Last evaluated: 2025-07-27. Review status: criteria provided, single submitter. Criteria: Invitae Variant Classification Sherloc (09022015). Collection method: clinical testing. Allele origin: germline.
Comment: This sequence change replaces alanine, which is neutral and non-polar, with valine, which is neutral and non-polar, at codon 670 of the LONP1 protein (p.Ala670Val). This variant is present in population databases (rs770036526, gnomAD 0.009%). This missense change has been observed in individuals with CODAS syndrome (PMID: 25808063, 36685982). Invitae Evidence Modeling of protein sequence and biophysical properties (such as structural, functional, and spatial information, amino acid conservation, physicochemical variation, residue mobility, and thermodynamic stability) has been performed for this missense variant. However, the output from this modeling did not meet the statistical confidence thresholds required to predict the impact of this variant on LONP1 protein function. In summary, the available evidence is currently insufficient to determine the role of this variant in disease. Therefore, it has been classified as a Variant of Uncertain Significance.

First Genomix Gene Laboratory, Genetic Diagnostics Department
Classification: Likely pathogenic for CODAS syndrome. Last evaluated: 2025-01-20. Review status: criteria provided, single submitter. Criteria: ACMG Guidelines, 2015. Collection method: clinical testing. Allele origin: germline. Inheritance: Autosomal recessive inheritance. Affected: no. Observed: 1 variant allele.

Literature cited by the submitters: PubMed 25808063 (cited by Labcorp Genetics (formerly Invitae), Labcorp); PubMed 36685982 (cited by Labcorp Genetics (formerly Invitae), Labcorp).